The following is an entry in ClinVar:

ClinVar aggregate classification (germline): Benign/Likely benign. Review status: criteria provided, multiple submitters, no conflicts (2 of 4 stars). 5 submissions from 5 submitters: Benign (1); Likely benign (4). Last evaluated 2025-11-06.

Conditions:
MTFMT-related disorder. Also called: MTFMT-related condition.

Allele frequency attached by ClinVar (database versions not stated): ESP Exome Variant Server 0.00025; ExAC 0.00037; gnomAD 0.00050 and 0.00059; TOPMed 0.00060; 1000 Genomes Project 0.00200; 1000 Genomes Project 30x 0.00203.
gnomAD v4.1: 327 of 1,613,638 alleles (0.02%); highest among the groups gnomAD compares: East Asian, 0.32%; no homozygotes.

Submissions (5):

Mayo Clinic Laboratories, Mayo Clinic
Classification: Likely benign. Last evaluated: 2025-11-06. Review status: criteria provided, single submitter. Criteria: ACMG Guidelines, 2015. Collection method: clinical testing. Allele origin: germline. Observed: 4 variant alleles.
Comment: BS1, BP4, BP7

PreventionGenetics, part of Exact Sciences
Classification: Likely benign for MTFMT-related condition. Last evaluated: 2025-11-03. Review status: criteria provided, single submitter. Criteria: ACMG Guidelines, 2015. Collection method: clinical testing. Allele origin: germline.
Comment: This variant is classified as likely benign based on ACMG/AMP sequence variant interpretation guidelines (Richards et al. 2015 PMID: 25741868, with internal and published modifications).

Labcorp Genetics (formerly Invitae), Labcorp
Classification: Benign. Last evaluated: 2025-10-07. Review status: criteria provided, single submitter. Criteria: Invitae Variant Classification Sherloc (09022015). Collection method: clinical testing. Allele origin: germline.

Blueprint Genetics
Classification: Likely benign. Last evaluated: 2024-11-08. Review status: criteria provided, single submitter. Criteria: ACMG Guidelines, 2015. Collection method: clinical testing. Allele origin: germline.

GeneDx
Classification: Likely benign. Last evaluated: 2020-10-27. Review status: criteria provided, single submitter. Criteria: GeneDx Variant Classification Process June 2021. Collection method: clinical testing. Allele origin: germline. Affected: yes.

NM_139242.4(MTFMT):c.1092A>G (p.Gln364=)

Gene: MTFMT (mitochondrial methionyl-tRNA formyltransferase; minus strand). Cytogenetic location: 15q22.31.
Variant type: single nucleotide variant.
Coding change: c.1092A>G on transcript NM_139242.4 (MANE Select); coding-DNA position 1092, A replaced by G.
Protein change: p.Gln364=; no amino-acid change (glutamine 364 retained).
Molecular consequence: synonymous variant.
Genome position (GRCh38, 1-based): chr15:65,003,140, T>C on the plus strand (A>G on the coding strand, the complement: MTFMT is on the minus strand). VCF-style: chr15-65003140-T-C. GRCh37 (hg19) VCF-style: chr15-65295478-T-C.
Other names: p.Gln364=.
Identifiers: ClinVar variation 381821 (VCV000381821.17), dbSNP rs4586374, ClinGen allele CA7613149.